The following is an entry in ClinVar:

ClinVar aggregate classification (germline): Uncertain significance. Review status: criteria provided, multiple submitters, no conflicts (2 of 4 stars). 2 submissions from 2 submitters: Uncertain significance (2). Last evaluated 2024-08-29.

Conditions:
KBG syndrome (KBGS). Also called: ANKRD11-Related KBG Syndrome. Identifiers: Orphanet 2332, MedGen C0220687, MONDO:0007846, OMIM 148050.

Submissions (2):

Labcorp Genetics (formerly Invitae), Labcorp
Classification: Uncertain significance for KBG syndrome. Last evaluated: 2024-08-29. Review status: criteria provided, single submitter. Criteria: Invitae Variant Classification Sherloc (09022015). Collection method: clinical testing. Allele origin: germline.
Comment: This sequence change replaces tyrosine, which is neutral and polar, with histidine, which is basic and polar, at codon 1851 of the ANKRD11 protein (p.Tyr1851His). This variant is not present in population databases (gnomAD no frequency). This variant has not been reported in the literature in individuals affected with ANKRD11-related conditions. ClinVar contains an entry for this variant (Variation ID: 2575018). Invitae Evidence Modeling of protein sequence and biophysical properties (such as structural, functional, and spatial information, amino acid conservation, physicochemical variation, residue mobility, and thermodynamic stability) indicates that this missense variant is not expected to disrupt ANKRD11 protein function with a negative predictive value of 95%. In summary, the available evidence is currently insufficient to determine the role of this variant in disease. Therefore, it has been classified as a Variant of Uncertain Significance.

GeneDx
Classification: Uncertain significance. Last evaluated: 2024-01-30. Review status: criteria provided, single submitter. Criteria: GeneDx Variant Classification Process June 2021. Collection method: clinical testing. Allele origin: germline. Affected: yes.
Comment: Not observed at significant frequency in large population cohorts (gnomAD); In silico analysis supports that this missense variant does not alter protein structure/function; Has not been previously published as pathogenic or benign to our knowledge

NM_013275.6(ANKRD11):c.5551T>C (p.Tyr1851His)

Gene: ANKRD11 (ankyrin repeat domain 11; minus strand). Cytogenetic location: 16q24.3.
Variant type: single nucleotide variant.
Coding change: c.5551T>C on transcript NM_013275.6 (MANE Select); coding-DNA position 5551, T replaced by C.
Protein change: p.Tyr1851His; replaces tyrosine 1851 with histidine.
Molecular consequence: missense variant.
Genome position (GRCh38, 1-based): chr16:89,280,991, A>G on the plus strand (T>C on the coding strand, the complement: ANKRD11 is on the minus strand). VCF-style: chr16-89280991-A-G. GRCh37 (hg19) VCF-style: chr16-89347399-A-G.
Other names: c.5551T>C, p.Tyr1851His (NM_001256182.2, NM_001256183.2); short protein forms Y1851H.
Identifiers: ClinVar variation 2575018 (VCV002575018.4), dbSNP rs2034182254, ClinGen allele CA397153739.